The following is an entry in ClinVar:

NM_015466.4(PTPN23):c.1936G>A (p.Asp646Asn)

Gene: PTPN23 (protein tyrosine phosphatase non-receptor type 23; plus strand). Cytogenetic location: 3p21.31.
Variant type: single nucleotide variant.
Coding change: c.1936G>A on transcript NM_015466.4 (MANE Select); coding-DNA position 1936, G replaced by A.
Protein change: p.Asp646Asn; replaces aspartic acid 646 with asparagine.
Molecular consequence: missense variant.
Genome position (GRCh38, 1-based): chr3:47,409,555, G>A. VCF-style: chr3-47409555-G-A. GRCh37 (hg19) VCF-style: chr3-47451045-G-A.
Other names: c.1936G>A (NM_015466.2); c.1558G>A, p.Asp520Asn (NM_001304482.2); short protein forms D520N, D646N.
Identifiers: ClinVar variation 1518679 (VCV001518679.5), dbSNP rs76083258, ClinGen allele CA2365860.

ClinVar aggregate classification (germline): Uncertain significance. Review status: criteria provided, multiple submitters, no conflicts (2 of 4 stars). 3 submissions from 3 submitters: Uncertain significance (3). Last evaluated 2023-01-23.

Conditions:
Inborn genetic diseases. Identifiers: MedGen C0950123, MeSH D030342.
Neurodevelopmental disorder and structural brain anomalies with or without seizures and spasticity. Identifiers: MedGen C5394423, MONDO:0030046, OMIM 618890.

Allele frequency attached by ClinVar (database versions not stated): gnomAD 0.00002 and 0.00003; gnomAD exomes 0.00006 and 0.00002; ExAC 0.00007; 1000 Genomes Project 30x 0.00016; TOPMed 0.00002; 1000 Genomes Project 0.00020.
gnomAD v4.1: 37 of 1,613,492 alleles (0.0023%); highest among the groups gnomAD compares: South Asian, 0.018%; no homozygotes.

Submissions (3):

Ambry Genetics
Classification: Uncertain significance for Inborn genetic diseases. Last evaluated: 2023-01-23. Review status: criteria provided, single submitter. Criteria: Ambry Variant Classification Scheme 2023. Collection method: clinical testing. Allele origin: germline.

Labcorp Genetics (formerly Invitae), Labcorp
Classification: Uncertain significance. Last evaluated: 2022-07-31. Review status: criteria provided, single submitter. Criteria: Invitae Variant Classification Sherloc (09022015). Collection method: clinical testing. Allele origin: germline.
Comment: This sequence change replaces aspartic acid, which is acidic and polar, with asparagine, which is neutral and polar, at codon 646 of the PTPN23 protein (p.Asp646Asn). This variant is present in population databases (rs76083258, gnomAD 0.03%). This variant has not been reported in the literature in individuals affected with PTPN23-related conditions. ClinVar contains an entry for this variant (Variation ID: 1518679). Algorithms developed to predict the effect of missense changes on protein structure and function are either unavailable or do not agree on the potential impact of this missense change (SIFT: "Tolerated"; PolyPhen-2: "Not Available"; Align-GVGD: "Class C0"). In summary, the available evidence is currently insufficient to determine the role of this variant in disease. Therefore, it has been classified as a Variant of Uncertain Significance.

Revvity Omics, Revvity
Classification: Uncertain significance for Neurodevelopmental disorder and structural brain anomalies with or without seizures and spasticity. Last evaluated: 2022-03-16. Review status: criteria provided, single submitter. Criteria: ACMG Guidelines, 2015. Collection method: clinical testing. Allele origin: germline.